The following is an entry in ClinVar:

ClinVar aggregate classification (germline): Conflicting classifications of pathogenicity. Review status: criteria provided, conflicting classifications (1 of 4 stars). 2 submissions from 2 submitters: Likely pathogenic (1); Uncertain significance (1). Last evaluated 2021-08-02.

Conditions:
Hereditary cancer-predisposing syndrome. Also called: Neoplastic Syndromes, Hereditary; Hereditary Cancer Syndrome; Tumor predisposition; Hereditary neoplastic syndrome. Identifiers: Orphanet 140162, MedGen C0027672, MeSH D009386, MONDO:0015356.
Cerebral arteriovenous malformation (BAVM). Also called: Arteriovenous malformations of the brain; CEREBRAL ARTERIOVENOUS MALFORMATIONS. Identifiers: Orphanet 46724, MedGen C0917804, MONDO:0007154, OMIM 108010, HP:0002408.

Allele frequency attached by ClinVar (database versions not stated): gnomAD exomes below 0.00001; TOPMed 0.00002.

Submissions (2):

Sema4
Classification: Uncertain significance for Hereditary cancer-predisposing syndrome. Last evaluated: 2021-08-02. Review status: criteria provided, single submitter. Criteria: Sema4 Curation Guidelines. Collection method: curation. Allele origin: germline.
Comment: The EGFR c.1881-858G>T variant has not been reported in literature to our knowledge. This variant observed in 1/18394 chromosomes in the East Asian population according to the Genome Aggregation Database (PMID: 32461654). This variant has been reported in ClinVar (Variation ID 545112). Functional studies have not been performed, and in silico tool predictions of the variant's effect on sequence changes is not available. The overall evidence is insufficient to meet ACMG/AMP criteria for classifying it as benign or pathogenic. In summary, the clinical significance of this variant is currently uncertain.

Beijing Key Laboratory for Genetic Research of Skeletal Deformity, Peking Union Medical College Hospital
Classification: Likely pathogenic for Brain arteriovenous malformation. Last evaluated: 2018-02-14. Review status: criteria provided, single submitter. Criteria: ACMG Guidelines, 2015. Collection method: clinical testing. Allele origin: germline. Affected: yes. Study: DISCO.

NM_005228.5(EGFR):c.1881-858G>T

Gene: EGFR (epidermal growth factor receptor; plus strand). Cytogenetic location: 7p11.2.
Variant type: single nucleotide variant.
Coding change: c.1881-858G>T on transcript NM_005228.5 (MANE Select); 858 bases into the intron before coding-DNA position 1881, G replaced by T.
Molecular consequence: intron variant. On other transcripts: nonsense (1).
Genome position (GRCh38, 1-based): chr7:55,170,317, G>T. VCF-style: chr7-55170317-G-T. GRCh37 (hg19) VCF-style: chr7-55238010-G-T.
Other names: c.1891G>T, p.Glu631Ter (NM_201284.2); c.1746-858G>T (NM_001346899.2, NM_001346897.2); c.1080-858G>T (NM_001346941.2); c.1881-858G>T (NM_001346898.2); c.1722-858G>T (NM_001346900.2); short protein forms E631*.
Identifiers: ClinVar variation 545112 (VCV000545112.2), dbSNP rs909905659, ClinGen allele CA367581510.